The following is an entry in ClinVar:

ClinVar aggregate classification (germline): Uncertain significance (1 of 4 stars; one submission).

Conditions:
Autosomal recessive limb-girdle muscular dystrophy type 2L (LGMDR12). Also called: MUSCULAR DYSTROPHY, LIMB-GIRDLE, AUTOSOMAL RECESSIVE 12; Limb-Girdle Muscular Dystrophy R12 Anoctamin-5-Related (LGMD-R12); Limb-girdle muscular dystrophy, type 2L. Identifiers: Orphanet 206549, MedGen C1969785, MONDO:0012652, OMIM 611307.
Gnathodiaphyseal dysplasia (GDD). Also called: GNATHODIAPHYSEAL SCLEROSIS; OSTEOGENESIS IMPERFECTA WITH UNUSUAL SKELETAL LESIONS. Identifiers: Orphanet 53697, MedGen C1833736, MONDO:0008151, OMIM 166260.

Allele frequency attached by ClinVar (database versions not stated): gnomAD exomes below 0.00001.
gnomAD v4.1: 4 of 1,612,864 alleles (0.00025%); highest among the groups gnomAD compares: South Asian, 0.0022%; no homozygotes.

Submission:

Labcorp Genetics (formerly Invitae), Labcorp
Classification: Uncertain significance for Autosomal recessive limb-girdle muscular dystrophy type 2L; Gnathodiaphyseal dysplasia. Last evaluated: 2022-06-26. Review status: criteria provided, single submitter. Criteria: Invitae Variant Classification Sherloc (09022015). Collection method: clinical testing. Allele origin: germline.
Comment: In summary, the available evidence is currently insufficient to determine the role of this variant in disease. Therefore, it has been classified as a Variant of Uncertain Significance. Advanced modeling of protein sequence and biophysical properties (such as structural, functional, and spatial information, amino acid conservation, physicochemical variation, residue mobility, and thermodynamic stability) performed at Invitae indicates that this missense variant is not expected to disrupt ANO5 protein function. This variant has not been reported in the literature in individuals affected with ANO5-related conditions. This variant is present in population databases (no rsID available, gnomAD 0.003%). This sequence change replaces asparagine, which is neutral and polar, with aspartic acid, which is acidic and polar, at codon 893 of the ANO5 protein (p.Asn893Asp).

NM_213599.3(ANO5):c.2677A>G (p.Asn893Asp)

Gene: ANO5 (anoctamin 5; plus strand). Cytogenetic location: 11p14.3.
Variant type: single nucleotide variant.
Coding change: c.2677A>G on transcript NM_213599.3 (MANE Select); coding-DNA position 2677, A replaced by G.
Protein change: p.Asn893Asp; replaces asparagine 893 with aspartic acid.
Molecular consequence: missense variant.
Genome position (GRCh38, 1-based): chr11:22,279,700, A>G. VCF-style: chr11-22279700-A-G. GRCh37 (hg19) VCF-style: chr11-22301246-A-G.
Other names: c.2674A>G, p.Asn892Asp (NM_001142649.2); c.2635A>G, p.Asn879Asp (NM_001410963.1); c.2632A>G, p.Asn878Asp (NM_001410964.1); short protein forms N892D, N878D, N879D, N893D.
Identifiers: ClinVar variation 1898246 (VCV001898246.5), dbSNP rs1215783320, ClinGen allele CA379925310.